The following is an entry in ClinVar:

NM_005431.2(XRCC2):c.109dup (p.Ser37fs)

Gene: XRCC2 (X-ray repair cross complementing 2; minus strand). Cytogenetic location: 7q36.1.
Variant type: Duplication.
Coding change: c.109dup on transcript NM_005431.2 (MANE Select); coding-DNA position 109, one base duplicated (T; older notation c.109dupT).
Protein change: p.Ser37fs; shifts the reading frame from serine 37.
Molecular consequence: frameshift variant.
Genome position (GRCh38, 1-based): chr7:152,660,713, A duplicated on the plus strand (T on the coding strand, the reverse complement: XRCC2 is on the minus strand); the first of 2 consecutive A bases (chr7:152,660,713-152,660,714); duplicating either gives the same sequence. VCF-style (leftmost placement, unchanged base first): chr7-152660712-G-GA. GRCh37 (hg19) VCF-style: chr7-152357797-G-GA.
Other names: short protein forms S37fs.
Identifiers: ClinVar variation 1391947 (VCV001391947.8), dbSNP rs1213272601, ClinGen allele CA578933762.

ClinVar aggregate classification (germline): Conflicting classifications of pathogenicity. Review status: criteria provided, conflicting classifications (1 of 4 stars). 2 submissions from 2 submitters: Likely pathogenic (1); Uncertain significance (1). Last evaluated 2024-09-18.

Conditions:
Hereditary cancer-predisposing syndrome. Also called: Neoplastic Syndromes, Hereditary; Hereditary neoplastic syndrome; Tumor predisposition; Hereditary Cancer Syndrome. Identifiers: Orphanet 140162, MedGen C0027672, MeSH D009386, MONDO:0015356.

Submissions (2):

Labcorp Genetics (formerly Invitae), Labcorp
Classification: Uncertain significance. Last evaluated: 2024-09-18. Review status: criteria provided, single submitter. Criteria: Invitae Variant Classification Sherloc (09022015). Collection method: clinical testing. Allele origin: germline.
Comment: This sequence change creates a premature translational stop signal (p.Ser37Phefs*6) in the XRCC2 gene. While this is not anticipated to result in nonsense mediated decay, it is expected to disrupt the last 244 amino acid(s) of the XRCC2 protein. This variant is present in population databases (no rsID available, gnomAD 0.006%). This variant has not been reported in the literature in individuals affected with XRCC2-related conditions. ClinVar contains an entry for this variant (Variation ID: 1391947). Experimental studies and prediction algorithms are not available or were not evaluated, and the functional significance of this variant is currently unknown. In summary, the available evidence is currently insufficient to determine the role of this variant in disease. Therefore, it has been classified as a Variant of Uncertain Significance.

Ambry Genetics
Classification: Likely pathogenic for Hereditary cancer-predisposing syndrome. Last evaluated: 2022-08-04. Review status: criteria provided, single submitter. Criteria: Ambry Variant Classification Scheme 2023. Collection method: clinical testing. Allele origin: germline.
Comment: The c.109dupT variant, located in coding exon 2 of the XRCC2 gene, results from a duplication of T at nucleotide position 109, causing a translational frameshift with a predicted alternate stop codon (p.S37Ffs*6). The predicted stop codon occurs in the 5&rsquo; end of theXRCC2 gene. Premature termination codons in the 5&rsquo; end of a gene have been reported to escape nonsense-mediated mRNAdecay and/or lead to re-initiation (Rivas et al. Science. 2015 May 8;348(6235):666-9; Lindeboom et al. Nat Genet. 2016 Oct;48(10):1112-8; Rhee et al. Sci Rep. 2017 May 10;7(1):1653). Direct evidence for this alteration is unavailable, however premature termination codons are typically deleterious in nature. Based on the majority of available evidence to date, this variant is likely to be pathogenic.